The following is an entry in ClinVar:

ClinVar aggregate classification (germline): Uncertain significance (1 of 4 stars; one submission).

Submission:

Labcorp Genetics (formerly Invitae), Labcorp
Classification: Uncertain significance. Last evaluated: 2022-10-04. Review status: criteria provided, single submitter. Criteria: Invitae Variant Classification Sherloc (09022015). Collection method: clinical testing. Allele origin: germline.
Comment: This variant is not present in population databases (gnomAD no frequency). This variant has not been reported in the literature in individuals affected with ADGRV1-related conditions. Advanced modeling of protein sequence and biophysical properties (such as structural, functional, and spatial information, amino acid conservation, physicochemical variation, residue mobility, and thermodynamic stability) performed at Invitae indicates that this missense variant is not expected to disrupt ADGRV1 protein function. In summary, the available evidence is currently insufficient to determine the role of this variant in disease. Therefore, it has been classified as a Variant of Uncertain Significance. This sequence change replaces lysine, which is basic and polar, with glutamic acid, which is acidic and polar, at codon 3956 of the ADGRV1 protein (p.Lys3956Glu).

NM_032119.4(ADGRV1):c.11866A>G (p.Lys3956Glu)

Gene: ADGRV1 (adhesion G protein-coupled receptor V1; plus strand). Cytogenetic location: 5q14.3.
Variant type: single nucleotide variant.
Coding change: c.11866A>G on transcript NM_032119.4 (MANE Select); coding-DNA position 11866, A replaced by G.
Protein change: p.Lys3956Glu; replaces lysine 3956 with glutamic acid.
Molecular consequence: missense variant. On other transcripts: non-coding transcript variant (1).
Genome position (GRCh38, 1-based): chr5:90,757,087, A>G. VCF-style: chr5-90757087-A-G. GRCh37 (hg19) VCF-style: chr5-90052904-A-G.
Other names: short protein forms K3956E.
Identifiers: ClinVar variation 2132296 (VCV002132296.4), dbSNP rs2531653124, ClinGen allele CA360371551.
Genomic context (GRCh38, chr5:90,757,087, plus strand): 5'-GTTCTTCAAGTTCCTGTAGTCCGGCTGGCTGGAAGCTTTGGGGCAGTAAATGTTTATTGG[A>G]AAGCATCACCAGACAGTGCTGGCCTGGAAGACTTTAAACCATCTCATGGGATTCTTGAAT-3'
Protein context (NP_115495.3, residues 3946-3966): GSFGAVNVYW[Lys3956Glu]ASPDSAGLED